The following is an entry in ClinVar:

NM_001199753.2(CPT1C):c.1264G>T (p.Ala422Ser)

Gene: CPT1C (carnitine palmitoyltransferase 1C; plus strand). Cytogenetic location: 19q13.33.
Variant type: single nucleotide variant.
Coding change: c.1264G>T on transcript NM_001199753.2 (MANE Select); coding-DNA position 1264, G replaced by T.
Protein change: p.Ala422Ser; replaces alanine 422 with serine.
Molecular consequence: missense variant. On other transcripts: non-coding transcript variant (1).
Genome position (GRCh38, 1-based): chr19:49,706,334, G>T. VCF-style: chr19-49706334-G-T. GRCh37 (hg19) VCF-style: chr19-50209591-G-T.
Other names: c.1231G>T, p.Ala411Ser (NM_001136052.3, NM_001378485.1, NM_001378487.1); c.1264G>T, p.Ala422Ser (NM_001199752.3, NM_001378483.1, NM_001378484.1 and 3 more transcripts); c.1330G>T, p.Ala444Ser (NM_001378482.1); short protein forms A411S, A422S, A444S.
Identifiers: ClinVar variation 851230 (VCV000851230.9), dbSNP rs777837083, ClinGen allele CA309514816.

ClinVar aggregate classification (germline): Uncertain significance (1 of 4 stars; one submission).

Conditions:
Hereditary spastic paraplegia 73. Also called: Spastic paraplegia 73, autosomal dominant. Identifiers: Orphanet 444099, MedGen C5568981, MONDO:0014568, OMIM 616282.

gnomAD v4.1: 1 of 1,525,010 alleles (0.000066%); highest among the groups gnomAD compares: South Asian, 0.0013%; no homozygotes.

Submission:

Labcorp Genetics (formerly Invitae), Labcorp
Classification: Uncertain significance for Hereditary spastic paraplegia 73. Last evaluated: 2019-12-10. Review status: criteria provided, single submitter. Criteria: Invitae Variant Classification Sherloc (09022015). Collection method: clinical testing. Allele origin: germline.
Comment: This sequence change replaces alanine with serine at codon 411 of the CPT1C protein (p.Ala411Ser). The alanine residue is moderately conserved and there is a moderate physicochemical difference between alanine and serine. In summary, the available evidence is currently insufficient to determine the role of this variant in disease. Therefore, it has been classified as a Variant of Uncertain Significance. Algorithms developed to predict the effect of missense changes on protein structure and function (SIFT, PolyPhen-2, Align-GVGD) all suggest that this variant is likely to be tolerated, but these predictions have not been confirmed by published functional studies and their clinical significance is uncertain. This variant has been observed in individual(s) with clinical features of hereditary spastic paraplegia (Invitae). This variant is not present in population databases (ExAC no frequency).